The following is an entry in ClinVar:

ClinVar aggregate classification (germline): Pathogenic. Review status: criteria provided, multiple submitters, no conflicts (2 of 4 stars). 8 submissions from 8 submitters: Pathogenic (7). 1 of the submissions does not count toward it. Last evaluated 2026-05-18.

Conditions:
EYA1-related disorders.
EYA1-related disorder. Also called: EYA1-related condition.
Melnick-Fraser syndrome (BOR). Also called: Branchiootorenal Syndrome (BORS); Branchio-oto-renal syndrome; Branchiootorenal syndrome. Identifiers: Orphanet 107, MedGen C0265234, MONDO:0007029.
Rare genetic deafness. Identifiers: Orphanet 96210, MedGen C5680250.
Otofaciocervical syndrome 1 (OTFCS). Identifiers: MedGen C3714941, MONDO:0024532, OMIM 166780.
Branchiootic syndrome 1 (BOS1). Also called: BO SYNDROME 1; BRANCHIOOTIC DYSPLASIA. Identifiers: MedGen C1865143, MONDO:0011258, OMIM 602588.
Branchiootorenal syndrome 1. Also called: Branchio-Oto-Renal Syndrome 1. Identifiers: Orphanet 107, MedGen C4551702, MONDO:0007236, OMIM 113650.

gnomAD v4.1: 1 of 1,614,054 alleles (0.000062%); no homozygotes.

Submissions (8):

PreventionGenetics, part of Exact Sciences
Classification: Pathogenic for EYA1-related condition. Last evaluated: 2026-05-18. Review status: criteria provided, single submitter. Criteria: ACMG Guidelines, 2015. Collection method: clinical testing. Allele origin: germline.
Comment: The EYA1 c.922C>T variant is predicted to result in premature protein termination (p.Arg308*). This variant has been reported in individuals with branchio-oto-renal syndrome (referred to as Arg275Term, Abdelhak et al. 1997. PubMed ID: 9020840; Orten et al. 2008. PubMed ID: 18220287; Unzaki et al. 2018. PubMed ID: 29500469). This variant has not been reported in a large population database, indicating this variant is rare. Nonsense variants in EYA1 are expected to be pathogenic. This variant is interpreted as pathogenic.

Variantyx, Inc.
Classification: Pathogenic for Branchiootorenal syndrome 1. Last evaluated: 2025-10-30. Review status: criteria provided, single submitter. Criteria: Variantyx Assertion Criteria 2022. Collection method: clinical testing. Allele origin: germline. Inheritance: Autosomal recessive inheritance. Affected: yes.
Comment: This is a nonsense variant in the EYA1 gene (OMIM: 601653). Pathogenic variants in this gene have been associated with autosomal dominant branchiootorenal syndrome 1. This variant introduces a premature termination codon in exon 10 out of 18 and is expected to result in loss of function, which is a known disease mechanism for EYA1 in this disorder (PMID: 16491411) (PVS1). This variant has been reported in at least 6 unrelated affected individuals (PMID: 18220287, 29500469) (PS4_Moderate) and is absent from control populations (PM2). Based on the current evidence, this variant is classified as pathogenic for autosomal dominant branchiootorenal syndrome 1.

Labcorp Genetics (formerly Invitae), Labcorp
Classification: Pathogenic for Melnick-Fraser syndrome. Last evaluated: 2024-11-11. Review status: criteria provided, single submitter. Criteria: Invitae Variant Classification Sherloc (09022015). Collection method: clinical testing. Allele origin: germline.
Comment: This sequence change creates a premature translational stop signal (p.Arg308*) in the EYA1 gene. It is expected to result in an absent or disrupted protein product. Loss-of-function variants in EYA1 are known to be pathogenic (PMID: 10464653, 18220287). This variant is not present in population databases (gnomAD no frequency). This premature translational stop signal has been observed in individual(s) with branchiootorenal syndrome (PMID: 9020840, 18220287, 29500469). Invitae Evidence Modeling of clinical and family history, age, sex, and reported ancestry of multiple individuals with this EYA1 variant has been performed. This variant is expected to be pathogenic with a positive predictive value of at least 99%. This is a validated machine learning model that incorporates the clinical features of 10,567 individuals referred to our laboratory for EYA1 testing. This variant is also known as p.R275*. ClinVar contains an entry for this variant (Variation ID: 7929). For these reasons, this variant has been classified as Pathogenic.

GeneDx
Classification: Pathogenic. Last evaluated: 2024-09-20. Review status: criteria provided, single submitter. Criteria: GeneDx Variant Classification Process June 2021. Collection method: clinical testing. Allele origin: germline. Affected: yes.
Comment: Identified in multiple unrelated patients with features consistent with EYA1-related branchiootorenal spectrum disorder referred for genetic testing at GeneDx and in published literature (PMID: 9020840, 18220287); Nonsense variant predicted to result in protein truncation or nonsense mediated decay in a gene for which loss of function is a known mechanism of disease; Not observed at significant frequency in large population cohorts (gnomAD); This variant is associated with the following publications: (PMID: 25525159, 31738409, 24803398, 9020840, 18220287, 35939872)

Fulgent Genetics
Classification: Pathogenic for Branchiootorenal syndrome 1; Otofaciocervical syndrome 1; Branchiootic syndrome 1. Last evaluated: 2024-05-16. Review status: criteria provided, single submitter. Criteria: ACMG Guidelines, 2015. Collection method: clinical testing. Allele origin: germline.

Blueprint Genetics
Classification: Pathogenic for EYA1-related disorders. Last evaluated: 2023-10-02. Review status: criteria provided, single submitter. Criteria: ACMG Guidelines, 2015. Collection method: clinical testing. Allele origin: germline. Affected: yes. Observed: 3 variant alleles.

Laboratory for Molecular Medicine, Mass General Brigham Personalized Medicine
Classification: Pathogenic for Rare genetic deafness. Last evaluated: 2011-09-17. Review status: criteria provided, single submitter. Criteria: LMM Criteria. Collection method: clinical testing. Allele origin: germline. Observed: 1 variant allele.
Comment: The Arg308X variant in EYA1 has been reported in the literature in 5 individuals affected with branchio-oto-renal syndrome (BOR) or BOR related symptoms (Abdelh ak 1997, Orten 2008). This variant reportedly segregated with the clinical featu re of BOR in one family (Abdelhak 1997). This variant leads to a premature stop codon at position 308, which is predicted to lead to a truncated or absent prote in. In summary, this variant meets our criteria to be classified as pathogenic.

OMIM
Classification: Pathogenic for BRANCHIOOTORENAL SYNDROME 1. Last evaluated: 1997-02-01. Review status: no assertion criteria provided. Collection method: literature only. Allele origin: germline. Not counted in ClinVar's aggregate classification.

Literature cited by the submitters: PubMed 16491411 (cited by Variantyx, Inc.); PubMed 18220287 (cited by 3 submitters); PubMed 29500469 (cited by Variantyx, Inc. and Labcorp Genetics (formerly Invitae), Labcorp); PubMed 10464653 (cited by Labcorp Genetics (formerly Invitae), Labcorp); PubMed 9020840 (cited by 3 submitters).

NM_000503.6(EYA1):c.922C>T (p.Arg308Ter)

Gene: EYA1 (EYA transcriptional coactivator and phosphatase 1; minus strand). Cytogenetic location: 8q13.3.
Variant type: single nucleotide variant.
Coding change: c.922C>T on transcript NM_000503.6 (MANE Select); coding-DNA position 922, C replaced by T.
Protein change: p.Arg308Ter; replaces arginine 308 with a stop codon.
Molecular consequence: nonsense.
Genome position (GRCh38, 1-based): chr8:71,271,802, G>A on the plus strand (C>T on the coding strand, the complement: EYA1 is on the minus strand). VCF-style: chr8-71271802-G-A. GRCh37 (hg19) VCF-style: chr8-72184037-G-A.
Other names: R275*; c.922C>T (NM_172058.3); c.904C>T, p.Arg302Ter (NM_001288574.2); c.556C>T, p.Arg186Ter (NM_001288575.2); c.1009C>T, p.Arg337Ter (NM_001370333.1); c.922C>T, p.Arg308Ter (NM_001370334.1, NM_001370335.1, NM_172058.4); c.991C>T, p.Arg331Ter (NM_001370336.1); c.994C>T, p.Arg332Ter (NM_172059.5); short protein forms R308*, R186*, R302*, R337*, R331*, R332*.
Identifiers: ClinVar variation 7929 (VCV000007929.17), dbSNP rs121909195, ClinGen allele CA254266.